The following is an entry in ClinVar:

ClinVar aggregate classification (germline): Pathogenic (1 of 4 stars; one submission).

Submission:

GeneDx
Classification: Pathogenic. Last evaluated: 2015-07-27. Review status: criteria provided, single submitter. Criteria: GeneDx Variant Classification (06012015). Collection method: clinical testing. Allele origin: germline. Affected: yes.
Comment: The c.2669-1G>C substitution in the ADAR gene has not been reported previously as a pathogenic variant nor as a benign polymorphism, to our knowledge. This splice site variant destroys the canonical splice acceptor site in intron 8. It is predicted to cause abnormal gene splicing, either leading to an abnormal message that is subject to nonsense-mediated mRNA decay, or to an abnormal protein product if the message is used for protein translation. The c.2669-1 G>C variant was not observed in approximately 6,500 individuals of European and African American ancestry in the NHLBI Exome Sequencing Project, indicating it is not a common benign variant in these populations. We interpret c.2669-1G>C as a pathogenic variant.

NM_001111.5(ADAR):c.2669-1G>C

Genes: ADAR (adenosine deaminase RNA specific; minus strand), LOC126805874 (CDK7 strongly-dependent group 2 enhancer GRCh37_chr1:154561176-154562375; plus strand). Cytogenetic location: 1q21.3.
Variant type: single nucleotide variant.
Coding change: c.2669-1G>C on transcript NM_001111.5 (MANE Select); the canonical splice acceptor site of the intron before coding-DNA position 2669, G replaced by C.
Molecular consequence: splice acceptor variant.
Genome position (GRCh38, 1-based): chr1:154,589,463, C>G on the plus strand (G>C on the coding strand, the complement: ADAR is on the minus strand). VCF-style: chr1-154589463-C-G. GRCh37 (hg19) VCF-style: chr1-154561939-C-G.
Other names: c.1784-1G>C (NM_001365046.1, NM_001025107.3, NM_001365048.1 and 2 more transcripts); c.2696-1G>C (NM_001365045.1); c.1706-1G>C (NM_001365049.1); c.2534-1G>C (NM_015841.4); c.2591-1G>C (NM_015840.4).
Identifiers: ClinVar variation 419608 (VCV000419608.2), dbSNP rs1064793987, ClinGen allele CA16616994.
Genomic context (GRCh38, chr1:154,589,463, plus strand): 5'-GGCAGTCATTGACAGTTTCTCCTTTTAGGCTGAGAGAATCTCCTTTCACACAGCGATTCC[C>G]TAGGAAGGTGTTTAAAACAGAAATAGAATAATGGAAGGAAACCGATGGAAAACAGGATGA-3'